The following is an entry in ClinVar:

NM_032119.4(ADGRV1):c.548T>G (p.Val183Gly)

Gene: ADGRV1 (adhesion G protein-coupled receptor V1; plus strand). Cytogenetic location: 5q14.3.
Variant type: single nucleotide variant.
Coding change: c.548T>G on transcript NM_032119.4 (MANE Select); coding-DNA position 548, T replaced by G.
Protein change: p.Val183Gly; replaces valine 183 with glycine.
Molecular consequence: missense variant. On other transcripts: non-coding transcript variant (1).
Genome position (GRCh38, 1-based): chr5:90,622,691, T>G. VCF-style: chr5-90622691-T-G. GRCh37 (hg19) VCF-style: chr5-89918508-T-G.
Other names: short protein forms V183G.
Identifiers: ClinVar variation 1467923 (VCV001467923.8), dbSNP rs2152065564, ClinGen allele CA360363646.

ClinVar aggregate classification (germline): Uncertain significance (1 of 4 stars; one submission).

Submission:

Labcorp Genetics (formerly Invitae), Labcorp
Classification: Uncertain significance. Last evaluated: 2020-12-28. Review status: criteria provided, single submitter. Criteria: Invitae Variant Classification Sherloc (09022015). Collection method: clinical testing. Allele origin: germline.
Comment: In summary, the available evidence is currently insufficient to determine the role of this variant in disease. Therefore, it has been classified as a Variant of Uncertain Significance. Algorithms developed to predict the effect of missense changes on protein structure and function are either unavailable or do not agree on the potential impact of this missense change (SIFT: "Deleterious"; PolyPhen-2: "Possibly Damaging"; Align-GVGD: "Class C0"). This variant has not been reported in the literature in individuals with ADGRV1-related conditions. This variant is not present in population databases (ExAC no frequency). This sequence change replaces valine with glycine at codon 183 of the ADGRV1 protein (p.Val183Gly). The valine residue is highly conserved and there is a moderate physicochemical difference between valine and glycine.